The following is an entry in ClinVar:

NM_006389.5(HYOU1):c.352G>A (p.Ala118Thr)

Gene: HYOU1 (hypoxia up-regulated 1; minus strand). Cytogenetic location: 11q23.3.
Variant type: single nucleotide variant.
Coding change: c.352G>A on transcript NM_006389.5 (MANE Select); coding-DNA position 352, G replaced by A.
Protein change: p.Ala118Thr; replaces alanine 118 with threonine.
Molecular consequence: missense variant.
Genome position (GRCh38, 1-based): chr11:119,055,252, C>T on the plus strand (G>A on the coding strand, the complement: HYOU1 is on the minus strand). VCF-style: chr11-119055252-C-T. GRCh37 (hg19) VCF-style: chr11-118925964-C-T.
Other names: c.352G>A, p.Ala118Thr (NM_001130991.3, NM_001411041.1); c.352G>A (NM_006389.3); short protein forms A118T.
Identifiers: ClinVar variation 2065198 (VCV002065198.6), dbSNP rs782058044, ClinGen allele CA229648926.

ClinVar aggregate classification (germline): Conflicting classifications of pathogenicity. Review status: criteria provided, conflicting classifications (1 of 4 stars). 3 submissions from 3 submitters: Uncertain significance (2); Likely benign (1). Last evaluated 2026-01-13.

Allele frequency attached by ClinVar (database versions not stated): gnomAD 0.00001; TOPMed 0.00002.

Submissions (3):

Labcorp Genetics (formerly Invitae), Labcorp
Classification: Uncertain significance. Last evaluated: 2026-01-13. Review status: criteria provided, single submitter. Criteria: Invitae Variant Classification Sherloc (09022015). Collection method: clinical testing. Allele origin: germline.
Comment: This sequence change replaces alanine, which is neutral and non-polar, with threonine, which is neutral and polar, at codon 118 of the HYOU1 protein (p.Ala118Thr). This variant is present in population databases (rs782058044, gnomAD 0.03%). This variant has not been reported in the literature in individuals affected with HYOU1-related conditions. ClinVar contains an entry for this variant (Variation ID: 2065198). Experimental studies and prediction algorithms are not available or were not evaluated, and the functional significance of this variant is currently unknown. In summary, the available evidence is currently insufficient to determine the role of this variant in disease. Therefore, it has been classified as a Variant of Uncertain Significance.

Ambry Genetics
Classification: Uncertain significance. Last evaluated: 2025-10-07. Review status: criteria provided, single submitter. Criteria: Ambry Variant Classification Scheme 2023. Collection method: clinical testing. Allele origin: germline.

Blueprint Genetics
Classification: Likely benign. Last evaluated: 2024-10-24. Review status: criteria provided, single submitter. Criteria: ACMG Guidelines, 2015. Collection method: clinical testing. Allele origin: germline.